The following is an entry in ClinVar:

NM_000113.3(TOR1A):c.304G>A (p.Gly102Arg)

Gene: TOR1A (torsin family 1 member A; minus strand). Cytogenetic location: 9q34.11.
Variant type: single nucleotide variant.
Coding change: c.304G>A on transcript NM_000113.3 (MANE Select); coding-DNA position 304, G replaced by A.
Protein change: p.Gly102Arg; replaces glycine 102 with arginine.
Molecular consequence: missense variant.
Genome position (GRCh38, 1-based): chr9:129,822,721, C>T on the plus strand (G>A on the coding strand, the complement: TOR1A is on the minus strand). VCF-style: chr9-129822721-C-T. GRCh37 (hg19) VCF-style: chr9-132585000-C-T.
Other names: short protein forms G102R.
Identifiers: ClinVar variation 2242340 (VCV002242340.4), dbSNP rs772242731, ClinGen allele CA5278709.

ClinVar aggregate classification (germline): Uncertain significance. Review status: criteria provided, multiple submitters, no conflicts (2 of 4 stars). 3 submissions from 3 submitters: Uncertain significance (3). Last evaluated 2025-12-19.

Conditions:
Arthrogryposis multiplex congenita 5. Identifiers: MedGen C5436453, MONDO:0100218, OMIM 618947.
Inborn genetic diseases. Identifiers: MedGen C0950123, MeSH D030342.
Dystonic disorder. Also called: Dystonia. Identifiers: MedGen C0013421, MONDO:0003441, HP:0001332.

Allele frequency attached by ClinVar (database versions not stated): TOPMed 0.00001; ExAC 0.00002.
gnomAD v4.1: 9 of 1,614,172 alleles (0.00056%); highest among the groups gnomAD compares: South Asian, 0.0033%; no homozygotes.

Submissions (3):

Labcorp Genetics (formerly Invitae), Labcorp
Classification: Uncertain significance for Dystonic disorder. Last evaluated: 2025-12-19. Review status: criteria provided, single submitter. Criteria: Invitae Variant Classification Sherloc (09022015). Collection method: clinical testing. Allele origin: germline.
Comment: This sequence change replaces glycine, which is neutral and non-polar, with arginine, which is basic and polar, at codon 102 of the TOR1A protein (p.Gly102Arg). This variant is present in population databases (rs772242731, gnomAD 0.006%). This missense change has been observed in individual(s) with clinical features of TOR1A-related conditions (PMID: 6757831). ClinVar contains an entry for this variant (Variation ID: 2242340). Invitae Evidence Modeling of protein sequence and biophysical properties (such as structural, functional, and spatial information, amino acid conservation, physicochemical variation, residue mobility, and thermodynamic stability) indicates that this missense variant is expected to disrupt TOR1A protein function with a positive predictive value of 80%. Algorithms developed to predict the effect of sequence changes on RNA splicing suggest that this variant may create or strengthen a splice site. In summary, the available evidence is currently insufficient to determine the role of this variant in disease. Therefore, it has been classified as a Variant of Uncertain Significance.

Ambry Genetics
Classification: Uncertain significance for Inborn genetic diseases. Last evaluated: 2021-09-15. Review status: criteria provided, single submitter. Criteria: Ambry Variant Classification Scheme 2023. Collection method: clinical testing. Allele origin: germline.
Comment: The c.304G>A (p.G102R) alteration is located in exon 2 (coding exon 2) of the TOR1A gene. This alteration results from a G to A substitution at nucleotide position 304, causing the glycine (G) at amino acid position 102 to be replaced by an arginine (R). Based on data from gnomAD, the A allele has an overall frequency of <0.01% (3/251494) total alleles studied. The highest observed frequency was 0.01% (2/30616) of South Asian alleles. This amino acid position is highly conserved in available vertebrate species. This alteration is predicted to be deleterious by in silico analysis. Based on insufficient or conflicting evidence, the clinical significance of this alteration remains unclear.

HudsonAlpha Institute for Biotechnology
Classification: Uncertain significance for Arthrogryposis multiplex congenita 5. Review status: criteria provided, single submitter. Criteria: ACMG Guidelines, 2015. Collection method: research. Allele origin: maternal. Observed: 1 variant allele. Study: CSER-HudsonAlpha.

Literature cited by the submitters: PubMed 6757831 (cited by Labcorp Genetics (formerly Invitae), Labcorp).